The following is an entry in ClinVar:

ClinVar aggregate classification (germline): Uncertain significance (1 of 4 stars; one submission).

Conditions:
Catecholaminergic polymorphic ventricular tachycardia 1. Also called: VENTRICULAR TACHYCARDIA, CATECHOLAMINERGIC POLYMORPHIC, 1, WITH OR WITHOUT ATRIAL DYSFUNCTION AND/OR DILATED CARDIOMYOPATHY; VENTRICULAR TACHYCARDIA, STRESS-INDUCED POLYMORPHIC 1; RYR2-Related Catecholaminergic Polymorphic Ventricular Tachycardia. Identifiers: Orphanet 3286, MedGen C1631597, MONDO:0011484, OMIM 604772.

Allele frequency attached by ClinVar (database versions not stated): gnomAD exomes below 0.00001.
gnomAD v4.1: 1 of 1,600,326 alleles (0.000062%); highest among the groups gnomAD compares: Non-Finnish European, 0.000085%; no homozygotes.

Submission:

Labcorp Genetics (formerly Invitae), Labcorp
Classification: Uncertain significance for Catecholaminergic polymorphic ventricular tachycardia 1. Last evaluated: 2023-12-19. Review status: criteria provided, single submitter. Criteria: Invitae Variant Classification Sherloc (09022015). Collection method: clinical testing. Allele origin: germline.
Comment: This sequence change affects an acceptor splice site in intron 73 of the RYR2 gene. It is expected to disrupt RNA splicing. Variants that disrupt the donor or acceptor splice site typically lead to a loss of protein function (PMID: 16199547), however the current clinical and genetic evidence is not sufficient to establish whether loss-of-function variants in RYR2 cause disease. This variant is present in population databases (no rsID available, gnomAD 0.0009%). This variant has not been reported in the literature in individuals affected with RYR2-related conditions. Algorithms developed to predict the effect of sequence changes on RNA splicing suggest that this variant may disrupt the consensus splice site. In summary, the available evidence is currently insufficient to determine the role of this variant in disease. Therefore, it has been classified as a Variant of Uncertain Significance.

Literature cited by the submitters: PubMed 16199547.

NM_001035.3(RYR2):c.10555-2A>C

Gene: RYR2 (ryanodine receptor 2; plus strand). Cytogenetic location: 1q43.
Variant type: single nucleotide variant.
Coding change: c.10555-2A>C on transcript NM_001035.3 (MANE Select); the canonical splice acceptor site of the intron before coding-DNA position 10555, A replaced by C.
Molecular consequence: splice acceptor variant.
Genome position (GRCh38, 1-based): chr1:237,723,126, A>C. VCF-style: chr1-237723126-A-C. GRCh37 (hg19) VCF-style: chr1-237886426-A-C.
Identifiers: ClinVar variation 2703127 (VCV002703127.3), dbSNP rs1251118085, ClinGen allele CA345415862.